The following is an entry in ClinVar:

ClinVar aggregate classification (germline): Benign/Likely benign. Review status: criteria provided, multiple submitters, no conflicts (2 of 4 stars). 3 submissions from 3 submitters: Benign (1); Likely benign (1). 1 of the submissions does not count toward it. Last evaluated 2026-05-01.

Conditions:
MAST1-related disorder. Also called: MAST1-related condition.

Allele frequency attached by ClinVar (database versions not stated): gnomAD exomes 0.00031; ExAC 0.00112; gnomAD 0.00356; 1000 Genomes Project 0.00359; 1000 Genomes Project 30x 0.00390; TOPMed 0.00417; ESP Exome Variant Server 0.00423.
gnomAD v4.1: 1,021 of 1,614,112 alleles (0.063%); highest among the groups gnomAD compares: African/African-American, 1.2%; 8 homozygotes.

Submissions (3):

CeGaT Center for Human Genetics Tuebingen
Classification: Likely benign. Last evaluated: 2026-05-01. Review status: criteria provided, single submitter. Criteria: CeGaT Center For Human Genetics Tuebingen Variant Classification Criteria Version 2. Collection method: clinical testing. Allele origin: germline. Affected: yes. Observed: 6 variant alleles.
Comment: MAST1: BP4, BS1

Labcorp Genetics (formerly Invitae), Labcorp
Classification: Benign. Last evaluated: 2026-01-15. Review status: criteria provided, single submitter. Criteria: Invitae Variant Classification Sherloc (09022015). Collection method: clinical testing. Allele origin: germline.

PreventionGenetics, part of Exact Sciences
Classification: Benign for MAST1-related condition. Last evaluated: 2019-06-13. Review status: no assertion criteria provided. Collection method: clinical testing. Allele origin: germline. Not counted in ClinVar's aggregate classification.
Comment: This variant is classified as benign based on ACMG/AMP sequence variant interpretation guidelines (Richards et al. 2015 PMID: 25741868, with internal and published modifications).

NM_014975.3(MAST1):c.489-6C>T

Genes: MAST1 (microtubule associated serine/threonine kinase 1; plus strand), LOC117125587 (CRISPRi-FlowFISH-validated KLF1 and PRDX2 regulatory element; plus strand). Cytogenetic location: 19p13.13.
Variant type: single nucleotide variant.
Coding change: c.489-6C>T on transcript NM_014975.3 (MANE Select); 6 bases into the intron before coding-DNA position 489, C replaced by T.
Molecular consequence: intron variant.
Genome position (GRCh38, 1-based): chr19:12,847,606, C>T. VCF-style: chr19-12847606-C-T. GRCh37 (hg19) VCF-style: chr19-12958420-C-T.
Other names: c.489-6C>T (NM_014975.2).
Identifiers: ClinVar variation 2043627 (VCV002043627.29), dbSNP rs187247861, ClinGen allele CA9232625.